The following is an entry in ClinVar:

ClinVar aggregate classification (germline): Likely benign (0 of 4 stars; one submission).

Conditions:
VWA2-related disorder. Also called: VWA2-related condition.

Allele frequency attached by ClinVar (database versions not stated): gnomAD exomes 0.00001; TOPMed 0.00002; gnomAD 0.00003; ESP Exome Variant Server 0.00008.
gnomAD v4.1: 9 of 1,612,570 alleles (0.00056%); highest among the groups gnomAD compares: African/African-American, 0.0027%; no homozygotes.

Submission:

PreventionGenetics, part of Exact Sciences
Classification: Likely benign for VWA2-related condition. Last evaluated: 2020-11-09. Review status: no assertion criteria provided. Collection method: clinical testing. Allele origin: germline.
Comment: This variant is classified as likely benign based on ACMG/AMP sequence variant interpretation guidelines (Richards et al. 2015 PMID: 25741868, with internal and published modifications).

NM_001272046.2(VWA2):c.1500C>T (p.Tyr500=)

Genes: AFAP1L2 (actin filament associated protein 1 like 2; minus strand), VWA2 (von Willebrand factor A domain containing 2; plus strand). Cytogenetic location: 10q25.3.
Variant type: single nucleotide variant.
Coding change: c.1500C>T on transcript NM_001272046.2 (MANE Select); coding-DNA position 1500, C replaced by T.
Protein change: p.Tyr500=; no amino-acid change (tyrosine 500 retained).
Molecular consequence: synonymous variant.
Genome position (GRCh38, 1-based): chr10:114,286,441, C>T. VCF-style: chr10-114286441-C-T. GRCh37 (hg19) VCF-style: chr10-116046200-C-T.
Other names: c.1500C>T, p.Tyr500= (NM_001320804.1).
Identifiers: ClinVar variation 3031073 (VCV003031073.2), dbSNP rs375648504, ClinGen allele CA214518065.
Genomic context (GRCh38, chr10:114,286,441, plus strand): 5'-TGAGGCCGTGCGGGCAGAGCTGGAGGAGATCACAGGCAGCCCAAAGCATGTGATGGTCTA[C>T]TCGGATCCTCAGGATCTGTTCAACCAAATCCCTGAGCTGCAGGGGAAGCTGTGCAGCCGG-3'
Protein context (NP_001258975.1, residues 490-510): ITGSPKHVMV[Tyr500=]SDPQDLFNQI